The following is an entry in ClinVar:

ClinVar aggregate classification (germline): Uncertain significance (1 of 4 stars; one submission).

Conditions:
Familial cold autoinflammatory syndrome 3 (FCAS3). Also called: FAMILIAL ATYPICAL COLD URTICARIA; ANTIBODY DEFICIENCY AND IMMUNE DYSREGULATION, PLCG2-ASSOCIATED. Identifiers: Orphanet 300359, MedGen C3280914, MONDO:0013766, OMIM 614468.

gnomAD v4.1: 2 of 1,614,208 alleles (0.00012%); highest among the groups gnomAD compares: Admixed American, 0.0017%; no homozygotes.

Submission:

Labcorp Genetics (formerly Invitae), Labcorp
Classification: Uncertain significance for Familial cold autoinflammatory syndrome 3. Last evaluated: 2025-10-02. Review status: criteria provided, single submitter. Criteria: Invitae Variant Classification Sherloc (09022015). Collection method: clinical testing. Allele origin: germline.
Comment: This sequence change replaces isoleucine, which is neutral and non-polar, with valine, which is neutral and non-polar, at codon 966 of the PLCG2 protein (p.Ile966Val). This variant is present in population databases (no rsID available, gnomAD 0.003%). This variant has not been reported in the literature in individuals affected with PLCG2-related conditions. ClinVar contains an entry for this variant (Variation ID: 2986910). An algorithm developed to predict the effect of missense changes on protein structure and function outputs the following: PolyPhen-2: "Benign". The valine amino acid residue is found in multiple mammalian species, which suggests that this missense change does not adversely affect protein function. In summary, the available evidence is currently insufficient to determine the role of this variant in disease. Therefore, it has been classified as a Variant of Uncertain Significance.

NM_002661.5(PLCG2):c.2896A>G (p.Ile966Val)

Gene: PLCG2 (phospholipase C gamma 2; plus strand). Cytogenetic location: 16q23.3.
Variant type: single nucleotide variant.
Coding change: c.2896A>G on transcript NM_002661.5 (MANE Select); coding-DNA position 2896, A replaced by G.
Protein change: p.Ile966Val; replaces isoleucine 966 with valine.
Molecular consequence: missense variant.
Genome position (GRCh38, 1-based): chr16:81,936,222, A>G. VCF-style: chr16-81936222-A-G. GRCh37 (hg19) VCF-style: chr16-81969827-A-G.
Other names: c.2896A>G, p.Ile966Val (NM_001425749.1, NM_001425750.1, NM_001425751.1); short protein forms I966V.
Identifiers: ClinVar variation 2986910 (VCV002986910.3), dbSNP rs1468901406, ClinGen allele CA396905709.